The following is an entry in ClinVar:

ClinVar aggregate classification (germline): Conflicting classifications of pathogenicity. Review status: criteria provided, conflicting classifications (1 of 4 stars). 2 submissions from 2 submitters: Uncertain significance (1); Likely benign (1). Last evaluated 2025-02-04.

Conditions:
Inborn genetic diseases. Identifiers: MedGen C0950123, MeSH D030342.

Allele frequency attached by ClinVar (database versions not stated): TOPMed below 0.00001; ExAC 0.00001; gnomAD 0.00001.
gnomAD v4.1: 13 of 1,613,950 alleles (0.00081%); highest among the groups gnomAD compares: East Asian, 0.027%; no homozygotes.

Submissions (2):

Ambry Genetics
Classification: Likely benign for Inborn genetic diseases. Last evaluated: 2025-02-04. Review status: criteria provided, single submitter. Criteria: Ambry Variant Classification Scheme 2023. Collection method: clinical testing. Allele origin: germline.

Labcorp Genetics (formerly Invitae), Labcorp
Classification: Uncertain significance. Last evaluated: 2023-12-02. Review status: criteria provided, single submitter. Criteria: Invitae Variant Classification Sherloc (09022015). Collection method: clinical testing. Allele origin: germline.
Comment: This sequence change replaces serine, which is neutral and polar, with threonine, which is neutral and polar, at codon 683 of the RAI1 protein (p.Ser683Thr). This variant is present in population databases (rs755656678, gnomAD 0.02%). This variant has not been reported in the literature in individuals affected with RAI1-related conditions. ClinVar contains an entry for this variant (Variation ID: 2158597). Advanced modeling of protein sequence and biophysical properties (such as structural, functional, and spatial information, amino acid conservation, physicochemical variation, residue mobility, and thermodynamic stability) performed at Invitae indicates that this missense variant is not expected to disrupt RAI1 protein function with a negative predictive value of 80%. In summary, the available evidence is currently insufficient to determine the role of this variant in disease. Therefore, it has been classified as a Variant of Uncertain Significance.

NM_030665.4(RAI1):c.2048G>C (p.Ser683Thr)

Gene: RAI1 (retinoic acid induced 1; plus strand). Cytogenetic location: 17p11.2.
Variant type: single nucleotide variant.
Coding change: c.2048G>C on transcript NM_030665.4 (MANE Select); coding-DNA position 2048, G replaced by C.
Protein change: p.Ser683Thr; replaces serine 683 with threonine.
Molecular consequence: missense variant.
Genome position (GRCh38, 1-based): chr17:17,794,996, G>C. VCF-style: chr17-17794996-G-C. GRCh37 (hg19) VCF-style: chr17-17698310-G-C.
Other names: c.2048G>C (NM_030665.3); short protein forms S683T.
Identifiers: ClinVar variation 2158597 (VCV002158597.4), dbSNP rs755656678, ClinGen allele CA8418450.